The following is an entry in ClinVar:

ClinVar aggregate classification (germline): Uncertain significance. Review status: criteria provided, multiple submitters, no conflicts (2 of 4 stars). 2 submissions from 2 submitters: Uncertain significance (2). Last evaluated 2024-07-23.

Submissions (2):

Greenwood Genetic Center Diagnostic Laboratories, Greenwood Genetic Center
Classification: Uncertain significance. Last evaluated: 2024-07-23. Review status: criteria provided, single submitter. Criteria: ACMG Guidelines, 2015. Collection method: clinical testing. Allele origin: germline. Affected: yes.
Comment: PM2, PP2

GeneDx
Classification: Uncertain significance. Last evaluated: 2024-05-03. Review status: criteria provided, single submitter. Criteria: GeneDx Variant Classification Process June 2021. Collection method: clinical testing. Allele origin: germline. Affected: yes.
Comment: Has not been previously published as pathogenic or benign to our knowledge; Not observed at significant frequency in large population cohorts (gnomAD); In silico analysis supports that this missense variant has a deleterious effect on protein structure/function

NM_031407.7(HUWE1):c.12856C>T (p.Arg4286Cys)

Gene: HUWE1 (HECT, UBA and WWE domain containing E3 ubiquitin protein ligase 1; minus strand). Cytogenetic location: Xp11.22.
Variant type: single nucleotide variant.
Coding change: c.12856C>T on transcript NM_031407.7 (MANE Select); coding-DNA position 12856, C replaced by T.
Protein change: p.Arg4286Cys; replaces arginine 4286 with cysteine.
Molecular consequence: missense variant.
Genome position (GRCh38, 1-based): chrX:53,534,173, G>A on the plus strand (C>T on the coding strand, the complement: HUWE1 is on the minus strand). VCF-style: chrX-53534173-G-A. GRCh37 (hg19) VCF-style: chrX-53561134-G-A.
Other names: short protein forms R4286C.
Identifiers: ClinVar variation 1878799 (VCV001878799.3), dbSNP rs2521587249, ClinGen allele CA413145295.
Genomic context (GRCh38, chrX:53,534,173, plus strand): 5'-CCTTGGAAGTACCTGTGACAAACTGGAGGAACTTGGCACGGTCAGCTTGATCGAAAGAAC[G>A]CAATGCTCTCCAGAACCACTGGATCTGTAGGAAGGGACCCATGAAGCCAGTGTTAGGTAG-3'
Protein context (NP_113584.3, residues 4276-4296): IQIQWFWRAL[Arg4286Cys]SFDQADRAKF